The following is an entry in ClinVar:

NM_052989.3(IFT122):c.521G>C (p.Gly174Ala)

Gene: IFT122 (intraflagellar transport 122; plus strand). Cytogenetic location: 3q21.3.
Variant type: single nucleotide variant.
Coding change: c.521G>C on transcript NM_052989.3 (MANE Select); coding-DNA position 521, G replaced by C.
Protein change: p.Gly174Ala; replaces glycine 174 with alanine.
Molecular consequence: missense variant.
Genome position (GRCh38, 1-based): chr3:129,464,739, G>C. VCF-style: chr3-129464739-G-C. GRCh37 (hg19) VCF-style: chr3-129183582-G-C.
Other names: c.674G>C, p.Gly225Ala (NM_001280541.2, NM_052985.4); c.71G>C, p.Gly24Ala (NM_001280545.2, NM_001280546.2); c.521G>C, p.Gly174Ala (NM_001410808.1, NM_001410809.1, NM_001410810.1 and 3 more transcripts); c.365G>C, p.Gly122Ala (NM_001410815.1, NM_001410817.1, NM_052990.3); short protein forms G174A, G225A, G24A, G122A.
Identifiers: ClinVar variation 2079350 (VCV002079350.1), dbSNP rs772158524, ClinGen allele CA2605900.
Genomic context (GRCh38, chr3:129,464,739, plus strand): 5'-GGATCATCAGCATACGGAACAAAAATGGCGAGGAGAAAGTAAAGATCGAGCGGCCGGGGG[G>C]CTCCCTCTCGCCAATATGGTCCATCTGCTGGAACCCTTCAAGGTACTCTTAAAGTTGTCC-3'
Protein context (NP_443715.1, residues 164-184): EEKVKIERPG[Gly174Ala]SLSPIWSICW

ClinVar aggregate classification (germline): Uncertain significance (1 of 4 stars; one submission).

Conditions:
Cranioectodermal dysplasia 1 (CED1). Also called: LEVIN SYNDROME I. Identifiers: Orphanet 1515, MedGen C0432235, MONDO:0021093, OMIM 218330.

Allele frequency attached by ClinVar (database versions not stated): ExAC 0.00001; gnomAD 0.00001.
gnomAD v4.1: 3 of 1,613,980 alleles (0.00019%); highest among the groups gnomAD compares: Admixed American, 0.0017%; no homozygotes.

Submission:

Labcorp Genetics (formerly Invitae), Labcorp
Classification: Uncertain significance for Cranioectodermal dysplasia 1. Last evaluated: 2022-06-28. Review status: criteria provided, single submitter. Criteria: Invitae Variant Classification Sherloc (09022015). Collection method: clinical testing. Allele origin: germline.
Comment: This sequence change replaces glycine, which is neutral and non-polar, with alanine, which is neutral and non-polar, at codon 225 of the IFT122 protein (p.Gly225Ala). This variant is present in population databases (rs772158524, gnomAD 0.006%). This variant has not been reported in the literature in individuals affected with IFT122-related conditions. Algorithms developed to predict the effect of missense changes on protein structure and function (SIFT, PolyPhen-2, Align-GVGD) all suggest that this variant is likely to be tolerated. In summary, the available evidence is currently insufficient to determine the role of this variant in disease. Therefore, it has been classified as a Variant of Uncertain Significance.